The following is an entry in ClinVar:

ClinVar aggregate classification (germline): Uncertain significance (1 of 4 stars; one submission).

Conditions:
Inborn genetic diseases. Identifiers: MedGen C0950123, MeSH D030342.

gnomAD v4.1: 9 of 1,598,988 alleles (0.00056%); highest among the groups gnomAD compares: Non-Finnish European, 0.00068%; no homozygotes.

Submission:

Ambry Genetics
Classification: Uncertain significance for Inborn genetic diseases. Last evaluated: 2022-06-30. Review status: criteria provided, single submitter. Criteria: Ambry Variant Classification Scheme 2023. Collection method: clinical testing. Allele origin: germline.
Comment: The c.570+3C>A intronic alteration consists of a C to A substitution nucleotides after coding exon 3 in the PIGG gene. Based on insufficient or conflicting evidence, the clinical significance of this alteration remains unclear.

NM_001127178.3(PIGG):c.570+3C>A

Gene: PIGG (phosphatidylinositol glycan anchor biosynthesis class G (EMM blood group); plus strand). Cytogenetic location: 4p16.3.
Variant type: single nucleotide variant.
Coding change: c.570+3C>A on transcript NM_001127178.3 (MANE Select); 3 bases into the intron after coding-DNA position 570, C replaced by A.
Molecular consequence: intron variant.
Genome position (GRCh38, 1-based): chr4:505,930, C>A. VCF-style: chr4-505930-C-A. GRCh37 (hg19) VCF-style: chr4-499719-C-A.
Other names: c.-643+3C>A (NM_001345994.2); c.303+3C>A (NM_001345986.2, NM_001345987.2, NM_001289051.2 and 2 more transcripts); c.-918+3C>A (NM_001345991.2); c.-318+3C>A (NM_001345988.2); c.-1056+3C>A (NM_001345990.2); c.570+3C>A (NM_017733.5, NM_001345989.2); c.361-2899C>A (NM_001289052.2); c.204+3C>A (NM_001289055.2).
Identifiers: ClinVar variation 2224044 (VCV002224044.2), dbSNP rs782485164, ClinGen allele CA549262985.